The following is an entry in ClinVar:

NM_001042603.3(KDM5A):c.4048C>T (p.Arg1350Ter)

Genes: KDM5A (lysine demethylase 5A; minus strand), LOC126861410 (BRD4-independent group 4 enhancer GRCh37_chr12:415875-417074; plus strand). Cytogenetic location: 12p13.33.
Variant type: single nucleotide variant.
Coding change: c.4048C>T on transcript NM_001042603.3 (MANE Select); coding-DNA position 4048, C replaced by T.
Protein change: p.Arg1350Ter; replaces arginine 1350 with a stop codon.
Molecular consequence: nonsense.
Genome position (GRCh38, 1-based): chr12:306,972, G>A on the plus strand (C>T on the coding strand, the complement: KDM5A is on the minus strand). VCF-style: chr12-306972-G-A. GRCh37 (hg19) VCF-style: chr12-416138-G-A.
Other names: short protein forms R1350*.
Identifiers: ClinVar variation 806762 (VCV000806762.44), dbSNP rs775280239, ClinGen allele CA383629775.

ClinVar aggregate classification (germline): Conflicting classifications of pathogenicity. Review status: criteria provided, conflicting classifications (1 of 4 stars). 4 submissions from 2 submitters: Pathogenic (2); Uncertain significance (2). Last evaluated 2025-12-02.

Conditions:
Intellectual disability. Also called: Intellectual developmental disorder; intellectual disabilities; Intellectual functioning disability. Identifiers: MedGen C3714756, MeSH D008607, MONDO:0001071, HP:0001249.
Seizure. Also called: Seizures. Identifiers: MedGen C0036572, HP:0001250.
El Hayek-Chahrour neurodevelopmental disorder. Also called: EL HAYEK-CHAHROUR NEURODEVELOPMENTAL SYNDROME; NEURODEVELOPMENTAL DISORDER WITH ABSENT SPEECH, IMPAIRED INTELLECTUAL DEVELOPMENT, AND AUTISM. Identifiers: MedGen C5935620, MONDO:0970951, OMIM 620820.

gnomAD v4.1: 1 of 1,613,110 alleles (0.000062%); highest among the groups gnomAD compares: Non-Finnish European, 0.000085%; no homozygotes.

Submissions (4):

Institute of Human Genetics, University of Leipzig Medical Center
Classification: Uncertain significance for El Hayek-Chahrour neurodevelopmental disorder. Last evaluated: 2025-12-02. Review status: criteria provided, single submitter. Criteria: ACMG Guidelines, 2015. Collection method: clinical testing. Allele origin: de novo. Affected: yes.
Comment: Criteria applied: PM2

Institute of Human Genetics, University of Leipzig Medical Center
Classification: Pathogenic for Intellectual disability; Seizure. Last evaluated: 2023-03-02. Review status: criteria provided, single submitter. Criteria: ACMG Guidelines, 2015. Collection method: research. Allele origin: de novo. Affected: yes.
Comment: Criteria applied: PVS1, PS2_MOD, PM2_SUP

Institute of Human Genetics, University of Leipzig Medical Center
Classification: Pathogenic for Intellectual disability. Last evaluated: 2020-08-03. Review status: criteria provided, single submitter. Criteria: ACMG Guidelines, 2015. Collection method: clinical testing. Allele origin: de novo. Affected: yes.

CeGaT Center for Human Genetics Tuebingen
Classification: Uncertain significance. Last evaluated: 2019-06-01. Review status: criteria provided, single submitter. Criteria: CeGaT Center For Human Genetics Tuebingen Variant Classification Criteria Version 2. Collection method: clinical testing. Allele origin: germline. Affected: yes. Observed: 3 variant alleles.

Literature cited by the submitters: PubMed 33350388 (cited by Institute of Human Genetics, University of Leipzig Medical Center).